The following is an entry in ClinVar:

NM_004100.5(EYA4):c.1739-1G>A

Genes: EYA4 (EYA transcriptional coactivator and phosphatase 4; plus strand), TARID (TCF21 antisense RNA inducing promoter demethylation; minus strand). Cytogenetic location: 6q23.2.
Variant type: single nucleotide variant.
Coding change: c.1739-1G>A on transcript NM_004100.5 (MANE Select); the canonical splice acceptor site of the intron before coding-DNA position 1739, G replaced by A.
Molecular consequence: splice acceptor variant. On other transcripts: intron variant (3).
Genome position (GRCh38, 1-based): chr6:133,525,153, G>A. VCF-style: chr6-133525153-G-A. GRCh37 (hg19) VCF-style: chr6-133846291-G-A.
Other names: c.1757-1G>A (NM_001301013.2); c.1839+38G>A (NM_172105.4); c.1770+38G>A (NM_001370458.1); c.1670-1G>A (NM_172103.4); c.1595-1G>A (NM_001370459.1); c.1677+38G>A (NM_001301012.2).
Identifiers: ClinVar variation 208577 (VCV000208577.17), dbSNP rs797045088, ClinGen allele CA275997.
Genomic context (GRCh38, chr6:133,525,153, plus strand): 5'-ATGAGGAGCATGCCGCTAACCAGGTAACTTCACTCTGAACTTTATCTCATTTATCTTCCA[G>A]GAAAAGAAAGTTGCTTTGAACGAATAATGCAAAGGTTTGGCAGAAAAGTAGTGTATGTTG-3'

ClinVar aggregate classification (germline): Likely pathogenic. Review status: criteria provided, multiple submitters, no conflicts (2 of 4 stars). 4 submissions from 4 submitters: Likely pathogenic (4). Last evaluated 2024-11-27.

Conditions:
Cardiovascular phenotype. Identifiers: MedGen CN230736.
Rare genetic deafness. Identifiers: Orphanet 96210, MedGen C5680250.
EYA4-related disorder. Also called: EYA4-related disorders; EYA4-related condition. Identifiers: MedGen CN239388.
Dilated cardiomyopathy 1J (CMD1J). Also called: CARDIOMYOPATHY, DILATED, WITH SENSORINEURAL HEARING LOSS, AUTOSOMAL DOMINANT. Identifiers: Orphanet 217622, MedGen C1854368, MONDO:0011541, OMIM 605362.

Allele frequency attached by ClinVar (database versions not stated): gnomAD 0.00001; gnomAD exomes 0.00002.
gnomAD v4.1: 36 of 1,613,518 alleles (0.0022%); highest among the groups gnomAD compares: Non-Finnish European, 0.003%; no homozygotes.

Submissions (4):

Ambry Genetics
Classification: Likely pathogenic for Cardiovascular phenotype. Last evaluated: 2024-11-27. Review status: criteria provided, single submitter. Criteria: Ambry Variant Classification Scheme 2023. Collection method: clinical testing. Allele origin: germline.
Comment: The c.1739-1G>A intronic variant results from a G to A substitution one nucleotide upstream from coding exon 18 of the EYA4 gene. This variant has been detected in an individual from a hypertrophic cardiomyopathy cohort who also had hearing loss, and audiology tracings in this individual were considered consistent with EYA4-related hearing loss (Cirino AL et al. Circ Cardiovasc Genet, 2017 Oct;10). This variant is considered to be rare based on population cohorts in the Genome Aggregation Database (gnomAD). This nucleotide position is highly conserved in available vertebrate species. In silico splice site analysis predicts that this alteration will weaken the native splice acceptor site. Alterations that disrupt the canonical splice site are expected to cause aberrant splicing, resulting in an abnormal protein or a transcript that is subject to nonsense-mediated mRNA decay. This alteration occurs at the 3' terminus of the EYA4 gene, is not expected to trigger nonsense-mediated mRNA decay, and only impacts the last 9% of the protein. The exact functional effect of this alteration is unknown; however, the impacted region is critical for protein function (Ambry internal data). Based on the supporting evidence, this alteration is likely pathogenic for EYA4-related hearing loss; however, the association of this alteration with EYA4-related cardiomyopathy is unknown.

Labcorp Genetics (formerly Invitae), Labcorp
Classification: Likely pathogenic for Dilated cardiomyopathy 1J. Last evaluated: 2024-03-28. Review status: criteria provided, single submitter. Criteria: Invitae Variant Classification Sherloc (09022015). Collection method: clinical testing. Allele origin: germline.
Comment: This sequence change affects an acceptor splice site in intron 18 of the EYA4 gene. It is expected to disrupt RNA splicing. Variants that disrupt the donor or acceptor splice site typically lead to a loss of protein function (PMID: 16199547), and loss-of-function variants in EYA4 are known to be pathogenic (PMID: 11159937, 25781927, 25963406). This variant is not present in population databases (gnomAD no frequency). This variant has not been reported in the literature in individuals affected with EYA4-related conditions. ClinVar contains an entry for this variant (Variation ID: 208577). Algorithms developed to predict the effect of sequence changes on RNA splicing suggest that this variant may disrupt the consensus splice site. In summary, the currently available evidence indicates that the variant is pathogenic, but additional data are needed to prove that conclusively. Therefore, this variant has been classified as Likely Pathogenic.

PreventionGenetics, part of Exact Sciences
Classification: Likely pathogenic for EYA4-related condition. Last evaluated: 2022-08-18. Review status: criteria provided, single submitter. Criteria: ACMG Guidelines, 2015. Collection method: clinical testing. Allele origin: germline.
Comment: The EYA4 c.1739-1G>A variant is predicted to disrupt the AG splice acceptor site and interfere with normal splicing. To our knowledge, this variant has not been reported in the literature in a patient with hearing loss. This variant has not been reported in a large population database, indicating this variant is rare. Variants that disrupt the consensus splice acceptor site in EYA4 are expected to be pathogenic and this variant is interpreted as likely pathogenic by three different laboratories in ClinVar. This variant is interpreted as likely pathogenic.

Laboratory for Molecular Medicine, Mass General Brigham Personalized Medicine
Classification: Likely pathogenic for Rare genetic deafness. Last evaluated: 2015-09-04. Review status: criteria provided, single submitter. Criteria: ACMG Guidelines, 2015. Collection method: clinical testing. Allele origin: germline. Inheritance: Autosomal dominant inheritance. Study: CSER-MedSeq.
Comment: The c.1739-1G>A variant in EYA4 has not been reported in individuals with hearing loss or in large population studies. This variant occurs in the invariant region (+/- 1,2) of the splice consensus sequence and is predicted to cause altered splicing leading to an abnormal or absent protein. This variant resides near exon 18 and a nonsense variant in this exon was shown to segregate with deafness in one family (Wayne 2001), providing further evidence that loss-of-function variants in or near this exon may lead to an abnormal or absent protein. In summary, although additional studies are required to fully establish its clinical significance, the c.1739-1G>A variant is likely pathogenic.

Literature cited by the submitters: PubMed 29030401 (cited by Ambry Genetics); PubMed 16199547 (cited by Labcorp Genetics (formerly Invitae), Labcorp); PubMed 11159937 (cited by Labcorp Genetics (formerly Invitae), Labcorp and Laboratory for Molecular Medicine, Mass General Brigham Personalized Medicine); PubMed 25781927 (cited by Labcorp Genetics (formerly Invitae), Labcorp); PubMed 25963406 (cited by Labcorp Genetics (formerly Invitae), Labcorp).